The following is an entry in ClinVar:

NM_058216.3(RAD51C):c.402A>G (p.Leu134=)

Gene: RAD51C (RAD51 paralog C; plus strand). Cytogenetic location: 17q22.
Variant type: single nucleotide variant.
Coding change: c.402A>G on transcript NM_058216.3 (MANE Select); coding-DNA position 402, A replaced by G.
Protein change: p.Leu134=; no amino-acid change (leucine 134 retained).
Molecular consequence: synonymous variant. On other transcripts: non-coding transcript variant (2).
Genome position (GRCh38, 1-based): chr17:58,695,187, A>G. VCF-style: chr17-58695187-A-G. GRCh37 (hg19) VCF-style: chr17-56772548-A-G.
Other names: c.402A>G, p.Leu134= (NM_002876.4).
Identifiers: ClinVar variation 419810 (VCV000419810.10), dbSNP rs1064794121, ClinGen allele CA16620493.

ClinVar aggregate classification (germline): Conflicting classifications of pathogenicity. Review status: criteria provided, conflicting classifications (1 of 4 stars). 3 submissions from 3 submitters: Uncertain significance (2); Likely benign (1). Last evaluated 2025-02-16.

Conditions:
Hereditary cancer-predisposing syndrome. Also called: Hereditary neoplastic syndrome; Hereditary Cancer Syndrome; Neoplastic Syndromes, Hereditary; Tumor predisposition. Identifiers: Orphanet 140162, MedGen C0027672, MeSH D009386, MONDO:0015356.
Fanconi anemia complementation group O. Also called: RAD51C-Related Fanconi Anemia. Identifiers: Orphanet 84, MedGen C3150653, MONDO:0013248, OMIM 613390.

Allele frequency attached by ClinVar (database versions not stated): gnomAD exomes below 0.00001.
gnomAD v4.1: 1 of 1,610,614 alleles (0.000062%); highest among the groups gnomAD compares: Non-Finnish European, 0.000085%; no homozygotes.

Submissions (3):

Labcorp Genetics (formerly Invitae), Labcorp
Classification: Likely benign for Fanconi anemia complementation group O. Last evaluated: 2025-02-16. Review status: criteria provided, single submitter. Criteria: Invitae Variant Classification Sherloc (09022015). Collection method: clinical testing. Allele origin: germline.

Ambry Genetics
Classification: Uncertain significance for Hereditary cancer-predisposing syndrome. Last evaluated: 2024-10-08. Review status: criteria provided, single submitter. Criteria: Ambry Variant Classification Scheme 2023. Collection method: clinical testing. Allele origin: germline.
Comment: The c.402A>G variant (also known as p.L134L) is located in coding exon 2 of the RAD51C gene. This variant results from an A to G substitution at nucleotide position 402. This nucleotide substitution does not change the leucine at codon 134. This nucleotide position is well conserved in available vertebrate species. In silico splice site analysis for this alteration is inconclusive and direct evidence is insufficient at this time (Ambry internal data). Since supporting evidence is limited at this time, the clinical significance of this alteration remains unclear.

GeneDx
Classification: Uncertain significance. Last evaluated: 2023-06-09. Review status: criteria provided, single submitter. Criteria: GeneDx Variant Classification Process June 2021. Collection method: clinical testing. Allele origin: germline. Affected: yes.
Comment: Not observed at significant frequency in large population cohorts (gnomAD); In silico analysis supports that this variant does not alter splicing; Has not been previously published as pathogenic or benign to our knowledge